The following is an entry in ClinVar:

ClinVar aggregate classification (germline): Conflicting classifications of pathogenicity. Review status: criteria provided, conflicting classifications (1 of 4 stars). 5 submissions from 5 submitters: Uncertain significance (4); Likely benign (1). Last evaluated 2026-01-21.

Conditions:
Cardiovascular phenotype. Identifiers: MedGen CN230736.
Cardiomyopathy (CMYO). Also called: Cardiomyopathies. Identifiers: Orphanet 167848, MedGen C0878544, MONDO:0004994, HP:0001638. Inheritance: Various modes of inheritance.
DSP-related disorder. Also called: DSP-related condition; DSP-related disorders.
Arrhythmogenic right ventricular dysplasia 8 (ARVD8). Also called: Arrhythmogenic Right Ventricular Dysplasia/Cardiomyopathy 8; ARRHYTHMOGENIC RIGHT VENTRICULAR CARDIOMYOPATHY 8; ARRHYTHMOGENIC RIGHT VENTRICULAR DYSPLASIA, FAMILIAL, 8. Identifiers: MedGen C1843896, MONDO:0011831, OMIM 607450.
Arrhythmogenic cardiomyopathy with wooly hair and keratoderma. Also called: Dilated cardiomyopathy with woolly hair and keratoderma; PALMOPLANTAR KERATODERMA WITH LEFT VENTRICULAR CARDIOMYOPATHY AND WOOLLY HAIR; Carvajal syndrome; Arrhythmogenic cardiomyopathy with woolly hair and keratoderma. Identifiers: Orphanet 65282, MedGen C1854063, MONDO:0011581, OMIM 605676.

Allele frequency attached by ClinVar (database versions not stated): gnomAD 0.00001; ExAC 0.00003; gnomAD exomes 0.00003; TOPMed 0.00003.
gnomAD v4.1: 31 of 1,614,084 alleles (0.0019%); highest among the groups gnomAD compares: Middle Eastern, 0.016%; no homozygotes.

Submissions (5):

PreventionGenetics, part of Exact Sciences
Classification: Uncertain significance for DSP-related condition. Last evaluated: 2026-01-21. Review status: criteria provided, single submitter. Criteria: ACMG Guidelines, 2015. Collection method: clinical testing. Allele origin: germline.
Comment: The DSP c.8390T>C variant is predicted to result in the amino acid substitution p.Ile2797Thr. This variant has been reported in an individual with arrhythmogenic right ventricular cardiomyopathy (Table S1A, Walsh et al. 2017. PubMed ID: 27532257). This variant is reported in 0.010% of alleles in individuals of East Asian descent in gnomAD. At this time, the clinical significance of this variant is uncertain due to the absence of conclusive functional and genetic evidence.

Color Diagnostics, LLC DBA Color Health
Classification: Uncertain significance for Cardiomyopathy. Last evaluated: 2025-11-20. Review status: criteria provided, single submitter. Criteria: ACMG Guidelines, 2015. Collection method: clinical testing. Allele origin: germline.
Comment: This missense variant replaces isoleucine with threonine at codon 2797 of the DSP protein. Computational prediction suggests that this variant may not impact protein structure and function. To our knowledge, functional studies have not been reported for this variant. This variant has been reported in one individual affected with arrhythmogenic right ventricular cardiomyopathy (PMID: 27532257). This variant has been identified in 31/1614084 chromosomes in the general population by the Genome Aggregation Database (gnomAD). The available evidence is insufficient to determine the role of this variant in disease conclusively. Therefore, this variant is classified as a Variant of Uncertain Significance.

Labcorp Genetics (formerly Invitae), Labcorp
Classification: Likely benign for Arrhythmogenic cardiomyopathy with wooly hair and keratoderma; Arrhythmogenic right ventricular dysplasia 8. Last evaluated: 2025-09-04. Review status: criteria provided, single submitter. Criteria: Invitae Variant Classification Sherloc (09022015). Collection method: clinical testing. Allele origin: germline.

GeneDx
Classification: Uncertain significance. Last evaluated: 2024-09-24. Review status: criteria provided, single submitter. Criteria: GeneDx Variant Classification Process June 2021. Collection method: clinical testing. Allele origin: germline. Affected: yes.
Comment: Identified in a patient with ARVC in published literature (PMID: 27532257); In silico analysis indicates that this missense variant does not alter protein structure/function; This variant is associated with the following publications: (PMID: 31402444, 27532257)

Ambry Genetics
Classification: Uncertain significance for Cardiovascular phenotype. Last evaluated: 2023-08-23. Review status: criteria provided, single submitter. Criteria: Ambry Variant Classification Scheme 2023. Collection method: clinical testing. Allele origin: germline.
Comment: The p.I2797T variant (also known as c.8390T>C), located in coding exon 24 of the DSP gene, results from a T to C substitution at nucleotide position 8390. The isoleucine at codon 2797 is replaced by threonine, an amino acid with similar properties. This variant has been reported in an arrhythmogenic right ventricular cardiomyopathy (ARVC) cohort; however, clinical details were limited (Walsh R et al. Genet. Med. 2017;19:192-203). This amino acid position is not well conserved in available vertebrate species. In addition, this alteration is predicted to be tolerated by in silico analysis. Since supporting evidence is limited at this time, the clinical significance of this alteration remains unclear.

Literature cited by the submitters: PubMed 27532257 (cited by Color Diagnostics, LLC DBA Color Health and Ambry Genetics).

NM_004415.4(DSP):c.8390T>C (p.Ile2797Thr)

Gene: DSP (desmoplakin; plus strand). Cytogenetic location: 6p24.3.
Variant type: single nucleotide variant.
Coding change: c.8390T>C on transcript NM_004415.4 (MANE Select); coding-DNA position 8390, T replaced by C.
Protein change: p.Ile2797Thr; replaces isoleucine 2797 with threonine.
Molecular consequence: missense variant.
Genome position (GRCh38, 1-based): chr6:7,585,652, T>C. VCF-style: chr6-7585652-T-C. GRCh37 (hg19) VCF-style: chr6-7585885-T-C.
Other names: c.8390T>C (LRG_423t1, NM_004415.3); c.6593T>C, p.Ile2198Thr (NM_001008844.3); c.7061T>C, p.Ile2354Thr (NM_001319034.2); short protein forms I2797T, I2198T, I2354T.
Identifiers: ClinVar variation 653551 (VCV000653551.18), dbSNP rs769734918, ClinGen allele CA052174.